The following is an entry in ClinVar:

NM_016038.4(SBDS):c.582C>G (p.Ile194Met)

Gene: SBDS (SBDS ribosome maturation factor; minus strand). Cytogenetic location: 7q11.21.
Variant type: single nucleotide variant.
Coding change: c.582C>G on transcript NM_016038.4 (MANE Select); coding-DNA position 582, C replaced by G.
Protein change: p.Ile194Met; replaces isoleucine 194 with methionine.
Molecular consequence: missense variant.
Genome position (GRCh38, 1-based): chr7:66,991,179, G>C on the plus strand (C>G on the coding strand, the complement: SBDS is on the minus strand). VCF-style: chr7-66991179-G-C. GRCh37 (hg19) VCF-style: chr7-66456166-G-C.
Other names: short protein forms I194M.
Identifiers: ClinVar variation 3950301 (VCV003950301.1).

ClinVar aggregate classification (germline): Uncertain significance (1 of 4 stars; one submission).

Conditions:
Inborn genetic diseases. Identifiers: MedGen C0950123, MeSH D030342.

gnomAD v4.1: 3 of 1,614,058 alleles (0.00019%); highest among the groups gnomAD compares: Non-Finnish European, 0.00025%; no homozygotes.

Submission:

Ambry Genetics
Classification: Uncertain significance for Inborn genetic diseases. Last evaluated: 2025-03-29. Review status: criteria provided, single submitter. Criteria: Ambry Variant Classification Scheme 2023. Collection method: clinical testing. Allele origin: germline.
Comment: The p.I194M variant (also known as c.582C>G), located in coding exon 4 of the SBDS gene, results from a C to G substitution at nucleotide position 582. The isoleucine at codon 194 is replaced by methionine, an amino acid with highly similar properties. This amino acid position is conserved. In addition, this alteration is predicted to be tolerated by in silico analysis. Based on the available evidence, the clinical significance of this variant remains unclear.